The following is an entry in ClinVar:

ClinVar aggregate classification (germline): Uncertain significance (1 of 4 stars; one submission).

Conditions:
Dilated cardiomyopathy 1O (CMD1O). Also called: CARDIOMYOPATHY, DILATED, WITH VENTRICULAR TACHYCARDIA. Identifiers: Orphanet 154, MedGen C1837839, MONDO:0012062, OMIM 608569.

Submission:

Labcorp Genetics (formerly Invitae), Labcorp
Classification: Uncertain significance for Dilated cardiomyopathy 1O. Last evaluated: 2023-08-04. Review status: criteria provided, single submitter. Criteria: Invitae Variant Classification Sherloc (09022015). Collection method: clinical testing. Allele origin: germline.
Comment: This sequence change replaces glutamine, which is neutral and polar, with arginine, which is basic and polar, at codon 271 of the ABCC9 protein (p.Gln271Arg). In summary, the available evidence is currently insufficient to determine the role of this variant in disease. Therefore, it has been classified as a Variant of Uncertain Significance. Advanced modeling of protein sequence and biophysical properties (such as structural, functional, and spatial information, amino acid conservation, physicochemical variation, residue mobility, and thermodynamic stability) performed at Invitae indicates that this missense variant is expected to disrupt ABCC9 protein function. ClinVar contains an entry for this variant (Variation ID: 845012). This variant has not been reported in the literature in individuals affected with ABCC9-related conditions. This variant is not present in population databases (gnomAD no frequency).

NM_020297.4(ABCC9):c.812A>G (p.Gln271Arg)

Gene: ABCC9 (ATP binding cassette subfamily C member 9; minus strand). Cytogenetic location: 12p12.1.
Variant type: single nucleotide variant.
Coding change: c.812A>G on transcript NM_020297.4 (MANE Select); coding-DNA position 812, A replaced by G.
Protein change: p.Gln271Arg; replaces glutamine 271 with arginine.
Molecular consequence: missense variant. On other transcripts: intron variant (1).
Genome position (GRCh38, 1-based): chr12:21,915,672, T>C on the plus strand (A>G on the coding strand, the complement: ABCC9 is on the minus strand). VCF-style: chr12-21915672-T-C. GRCh37 (hg19) VCF-style: chr12-22068606-T-C.
Other names: c.812A>G, p.Gln271Arg (NM_001377273.1, NM_005691.4); c.-48-2606A>G (NM_001377274.1); short protein forms Q271R.
Identifiers: ClinVar variation 845012 (VCV000845012.7), dbSNP rs1948573607, ClinGen allele CA384123365.